The following is an entry in ClinVar:

ClinVar aggregate classification (germline): Uncertain significance (1 of 4 stars; one submission).

Allele frequency attached by ClinVar (database versions not stated): gnomAD exomes below 0.00001; gnomAD 0.00001.

Submission:

Labcorp Genetics (formerly Invitae), Labcorp
Classification: Uncertain significance. Last evaluated: 2022-09-18. Review status: criteria provided, single submitter. Criteria: Invitae Variant Classification Sherloc (09022015). Collection method: clinical testing. Allele origin: germline.
Comment: This sequence change affects codon 157 of the FZD2 mRNA. It is a 'silent' change, meaning that it does not change the encoded amino acid sequence of the FZD2 protein. This variant is present in population databases (no rsID available, gnomAD 0.004%). This variant has not been reported in the literature in individuals affected with FZD2-related conditions. In summary, the available evidence is currently insufficient to determine the role of this variant in disease. Therefore, it has been classified as a Variant of Uncertain Significance.

NM_001466.4(FZD2):c.471G>A (p.Glu157=)

Gene: FZD2 (frizzled class receptor 2; plus strand). Cytogenetic location: 17q21.31.
Variant type: single nucleotide variant.
Coding change: c.471G>A on transcript NM_001466.4 (MANE Select); coding-DNA position 471, G replaced by A.
Protein change: p.Glu157=; no amino-acid change (glutamic acid 157 retained).
Molecular consequence: synonymous variant.
Genome position (GRCh38, 1-based): chr17:44,558,159, G>A. VCF-style: chr17-44558159-G-A. GRCh37 (hg19) VCF-style: chr17-42635527-G-A.
Identifiers: ClinVar variation 2031152 (VCV002031152.4), dbSNP rs1464255843, ClinGen allele CA500627450.
Genomic context (GRCh38, chr17:44,558,159, plus strand): 5'-CTGCGAGCACTTCCCGCGCCACGGCGCCGAGCAGATCTGCGTCGGCCAGAACCACTCCGA[G>A]GACGGAGCTCCCGCGCTACTCACCACCGCGCCGCCGCCGGGACTGCAGCCGGGTGCCGGG-3'
Protein context (NP_001457.1, residues 147-167): EQICVGQNHS[Glu157=]DGAPALLTTA